The following is an entry in ClinVar:

NM_001042492.3(NF1):c.6566C>T (p.Pro2189Leu)

Gene: NF1 (neurofibromin 1; plus strand). Cytogenetic location: 17q11.2.
Variant type: single nucleotide variant.
Coding change: c.6566C>T on transcript NM_001042492.3 (MANE Select); coding-DNA position 6566, C replaced by T.
Protein change: p.Pro2189Leu; replaces proline 2189 with leucine.
Molecular consequence: missense variant.
Genome position (GRCh38, 1-based): chr17:31,337,506, C>T. VCF-style: chr17-31337506-C-T. GRCh37 (hg19) VCF-style: chr17-29664524-C-T.
Other names: c.6503C>T, p.Pro2168Leu (NM_000267.4); short protein forms P2168L, P2189L.
Identifiers: ClinVar variation 1003484 (VCV001003484.6), dbSNP rs2069706766, ClinGen allele CA399013295.

ClinVar aggregate classification (germline): Uncertain significance. Review status: criteria provided, multiple submitters, no conflicts (2 of 4 stars). 2 submissions from 2 submitters: Uncertain significance (2). Last evaluated 2025-02-13.

Conditions:
Hereditary cancer-predisposing syndrome. Also called: Hereditary neoplastic syndrome; Neoplastic Syndromes, Hereditary; Tumor predisposition; Hereditary Cancer Syndrome. Identifiers: Orphanet 140162, MedGen C0027672, MeSH D009386, MONDO:0015356.
Cardiovascular phenotype. Identifiers: MedGen CN230736.
Neurofibromatosis, type 1 (NF1). Also called: NEUROFIBROMATOSIS, TYPE I, SOMATIC; Peripheral type neurofibromatosis; VON RECKLINGHAUSEN DISEASE; Neurofibromatosis, type I. Identifiers: Orphanet 636, MedGen C0027831, MONDO:0018975, OMIM 162200. Disease mechanism: loss of function.

Submissions (2):

Ambry Genetics
Classification: Uncertain significance for Cardiovascular phenotype; Hereditary cancer-predisposing syndrome. Last evaluated: 2025-02-13. Review status: criteria provided, single submitter. Criteria: Ambry Variant Classification Scheme 2023. Collection method: clinical testing. Allele origin: germline.
Comment: The p.P2168L variant (also known as c.6503C>T), located in coding exon 42 of the NF1 gene, results from a C to T substitution at nucleotide position 6503. The proline at codon 2168 is replaced by leucine, an amino acid with similar properties. This amino acid position is conserved. In addition, this alteration is predicted to be tolerated by in silico analysis. Based on the available evidence, the clinical significance of this variant remains unclear.

Labcorp Genetics (formerly Invitae), Labcorp
Classification: Uncertain significance for Neurofibromatosis, type 1. Last evaluated: 2020-01-20. Review status: criteria provided, single submitter. Criteria: Invitae Variant Classification Sherloc (09022015). Collection method: clinical testing. Allele origin: germline.
Comment: This sequence change replaces proline with leucine at codon 2168 of the NF1 protein (p.Pro2168Leu). The proline residue is moderately conserved and there is a moderate physicochemical difference between proline and leucine. This variant is not present in population databases (ExAC no frequency). This variant has not been reported in the literature in individuals with NF1-related conditions. Algorithms developed to predict the effect of missense changes on protein structure and function are either unavailable or do not agree on the potential impact of this missense change (SIFT: "Tolerated"; PolyPhen-2: "Probably Damaging"; Align-GVGD: "Class C0"). In summary, the available evidence is currently insufficient to determine the role of this variant in disease. Therefore, it has been classified as a Variant of Uncertain Significance.